The following is an entry in ClinVar:

ClinVar aggregate classification (germline): Pathogenic/Likely pathogenic. Review status: criteria provided, multiple submitters, no conflicts (2 of 4 stars). 6 submissions from 6 submitters: Pathogenic (5); Likely pathogenic (1). Last evaluated 2025-11-12.

Conditions:
ABCA4-related disorder. Also called: ABCA4-related condition; ABCA4-related disorders. Identifiers: MedGen CN239167.
Cone-rod dystrophy 3 (CORD3). Identifiers: Orphanet 1872, MedGen C1858806, MONDO:0011395, OMIM 604116.
Age related macular degeneration 2. Also called: MACULOPATHY, AGE-RELATED; MACULAR DEGENERATION, SENILE; MACULOPATHY, AGE-RELATED, 2. Identifiers: MedGen C3495438, MONDO:0007932, OMIM 153800.
Severe early-childhood-onset retinal dystrophy (STGD1). Also called: Stargardt macular dystrophy; Juvenile onset macular degeneration; Stargardt disease 1; STGD; MACULAR DYSTROPHY WITH FLECKS, TYPE 1. Identifiers: Orphanet 364055, Orphanet 827, MedGen C1855465, MeSH D000080362, MONDO:0009549, OMIM 248200.
Retinitis pigmentosa 19 (RP19). Also called: ABCA4-Related Retinitis Pigmentosa. Identifiers: Orphanet 791, MedGen C1866422, MONDO:0011137, OMIM 601718.
Retinitis pigmentosa (RP). Identifiers: Orphanet 791, MedGen C0035334, MeSH D012174, MONDO:0019200, OMIM 268000. Inheritance: Autosomal dominant, autosomal recessive and X linked inheritance.

Allele frequency attached by ClinVar (database versions not stated): gnomAD exomes 0.00001.
gnomAD v4.1: 3 of 1,614,118 alleles (0.00019%); highest among the groups gnomAD compares: East Asian, 0.0067%; no homozygotes.

Submissions (6):

Women's Health and Genetics/Laboratory Corporation of America, LabCorp
Classification: Pathogenic for Retinitis pigmentosa. Last evaluated: 2025-11-12. Review status: criteria provided, single submitter. Criteria: LabCorp Variant Classification Summary - May 2015. Collection method: clinical testing. Allele origin: germline.
Comment: Variant summary: ABCA4 c.880C>T (p.Gln294X) results in a premature termination codon, predicted to cause a truncation of the encoded protein or absence of the protein due to nonsense mediated decay, which are commonly known mechanisms for disease. The variant was absent in 250536 control chromosomes. c.880C>T has been observed at least in one individual affected with Retinitis Pigmentosa (Joo_2019). To our knowledge, no experimental evidence demonstrating an impact on protein function has been reported. The following publication have been ascertained in the context of this evaluation (PMID: 31814693). ClinVar contains an entry for this variant (Variation ID: 198720). Based on the evidence outlined above, the variant was classified as pathogenic.

Blueprint Genetics
Classification: Likely pathogenic for ABCA4-related disorders. Last evaluated: 2024-03-06. Review status: criteria provided, single submitter. Criteria: ACMG Guidelines, 2015. Collection method: clinical testing. Allele origin: germline. Affected: yes. Observed: 2 variant alleles.

Fulgent Genetics
Classification: Pathogenic for Age related macular degeneration 2; Severe early-childhood-onset retinal dystrophy; Retinitis pigmentosa 19; Cone-rod dystrophy 3. Last evaluated: 2024-02-08. Review status: criteria provided, single submitter. Criteria: ACMG Guidelines, 2015. Collection method: clinical testing. Allele origin: germline.

3billion
Classification: Pathogenic for Retinitis pigmentosa 19. Last evaluated: 2023-12-11. Review status: criteria provided, single submitter. Criteria: ACMG Guidelines, 2015. Collection method: clinical testing. Allele origin: germline. Affected: yes.
Comment: The variant is not observed in the gnomAD v2.1.1 dataset. Predicted Consequence/Location: Stop-gained (nonsense): predicted to result in a loss or disruption of normal protein function through nonsense-mediated decay (NMD) or protein truncation. Multiple pathogenic variants are reported downstream of the variant. The variant has been reported to be associated with ABCA4 related disorder (ClinVar ID: VCV000198720 /PMID: 29975949 /3billion dataset). Therefore, this variant is classified as Pathogenic according to the recommendation of ACMG/AMP guideline.

Labcorp Genetics (formerly Invitae), Labcorp
Classification: Pathogenic. Last evaluated: 2023-09-04. Review status: criteria provided, single submitter. Criteria: Invitae Variant Classification Sherloc (09022015). Collection method: clinical testing. Allele origin: germline.
Comment: For these reasons, this variant has been classified as Pathogenic. ClinVar contains an entry for this variant (Variation ID: 198720). This premature translational stop signal has been observed in individual(s) with Stargardt disease (PMID: 29975949). This variant is not present in population databases (gnomAD no frequency). This sequence change creates a premature translational stop signal (p.Gln294*) in the ABCA4 gene. It is expected to result in an absent or disrupted protein product. Loss-of-function variants in ABCA4 are known to be pathogenic (PMID: 10958761, 24938718, 25312043, 26780318).

Eurofins Ntd Llc (ga)
Classification: Pathogenic. Last evaluated: 2014-10-10. Review status: criteria provided, single submitter. Criteria: EGL Classification Definitions 2015. Collection method: clinical testing. Allele origin: germline. Observed: 3 variant alleles, 3 heterozygotes.

Literature cited by the submitters: PubMed 31814693 (cited by Women's Health and Genetics/Laboratory Corporation of America, LabCorp); PubMed 29975949 (cited by 3billion and Labcorp Genetics (formerly Invitae), Labcorp); PubMed 10958761 (cited by Labcorp Genetics (formerly Invitae), Labcorp); PubMed 24938718 (cited by Labcorp Genetics (formerly Invitae), Labcorp); PubMed 25312043 (cited by Labcorp Genetics (formerly Invitae), Labcorp); PubMed 26780318 (cited by Labcorp Genetics (formerly Invitae), Labcorp).

NM_000350.3(ABCA4):c.880C>T (p.Gln294Ter)

Gene: ABCA4 (ATP binding cassette subfamily A member 4; minus strand). Cytogenetic location: 1p22.1.
Variant type: single nucleotide variant.
Coding change: c.880C>T on transcript NM_000350.3 (MANE Select); coding-DNA position 880, C replaced by T.
Protein change: p.Gln294Ter; replaces glutamine 294 with a stop codon.
Molecular consequence: nonsense.
Genome position (GRCh38, 1-based): chr1:94,080,697, G>A on the plus strand (C>T on the coding strand, the complement: ABCA4 is on the minus strand). VCF-style: chr1-94080697-G-A. GRCh37 (hg19) VCF-style: chr1-94546253-G-A.
Other names: c.880C>T (NM_000350.2); c.880C>T, p.Gln294Ter (NM_001425324.1); short protein forms Q294*.
Identifiers: ClinVar variation 198720 (VCV000198720.11), dbSNP rs794727903, ClinGen allele CA203573.